The following is an entry in ClinVar:

NM_001166271.3(SPATA13):c.2667+8G>A

Gene: SPATA13 (spermatogenesis associated 13; plus strand). Cytogenetic location: 13q12.12.
Variant type: single nucleotide variant.
Coding change: c.2667+8G>A on transcript NM_001166271.3 (MANE Select); 8 bases into the intron after coding-DNA position 2667, G replaced by A.
Molecular consequence: intron variant.
Genome position (GRCh38, 1-based): chr13:24,286,958, G>A. VCF-style: chr13-24286958-G-A. GRCh37 (hg19) VCF-style: chr13-24861096-G-A.
Other names: c.2853+8G>A (NM_001286792.2); c.792+8G>A (NM_153023.4); c.624+8G>A (NM_001286794.2); c.558+8G>A (NM_001286795.2); c.372+565G>A (NM_001286793.2).
Identifiers: ClinVar variation 3042402 (VCV003042402.2), dbSNP rs566635972, ClinGen allele CA6914312.

ClinVar aggregate classification (germline): Likely benign (0 of 4 stars; one submission).

Conditions:
SPATA13-related disorder. Also called: SPATA13-related condition.

Allele frequency attached by ClinVar (database versions not stated): gnomAD 0.00001; gnomAD exomes 0.00001; TOPMed 0.00002; ExAC 0.00003; 1000 Genomes Project 30x 0.00016; 1000 Genomes Project 0.00020.
gnomAD v4.1: 16 of 1,610,788 alleles (0.00099%); highest among the groups gnomAD compares: Admixed American, 0.0033%; no homozygotes.

Submission:

PreventionGenetics, part of Exact Sciences
Classification: Likely benign for SPATA13-related condition. Last evaluated: 2019-06-25. Review status: no assertion criteria provided. Collection method: clinical testing. Allele origin: germline.
Comment: This variant is classified as likely benign based on ACMG/AMP sequence variant interpretation guidelines (Richards et al. 2015 PMID: 25741868, with internal and published modifications).